The following is an entry in ClinVar:

NC_000002.12:g.(?_72887413)_(72891557_?)del

Gene: SPR (sepiapterin reductase; plus strand). Cytogenetic location: 2p13.2.
Variant type: Deletion.
Identifiers: ClinVar variation 831031 (VCV000831031.1).

ClinVar aggregate classification (germline): Pathogenic (1 of 4 stars; one submission).

Conditions:
Dystonic disorder. Also called: Dystonia. Identifiers: MedGen C0013421, MONDO:0003441, HP:0001332.

Submission:

Labcorp Genetics (formerly Invitae), Labcorp
Classification: Pathogenic for Dystonia. Last evaluated: 2019-10-24. Review status: criteria provided, single submitter. Criteria: Invitae Variant Classification Sherloc (09022015). Collection method: clinical testing. Allele origin: germline.
Comment: A gross deletion of the genomic region encompassing the full coding sequence of the SPR gene has been identified. The boundaries of this event are unknown as the deletion extends beyond the assayed region for this gene and therefore may encompass additional genes. This variant has not been reported in the literature in individuals with SPR-related conditions. Loss-of-function variants in SPR are known to be pathogenic (PMID: 22522443). For these reasons, this variant has been classified as Pathogenic.